The following is an entry in ClinVar:

ClinVar aggregate classification (germline): Uncertain significance. Review status: criteria provided, multiple submitters, no conflicts (2 of 4 stars). 2 submissions from 2 submitters: Uncertain significance (2). Last evaluated 2024-12-14.

Conditions:
Inborn genetic diseases. Identifiers: MedGen C0950123, MeSH D030342.

gnomAD v4.1: 8 of 1,605,112 alleles (0.0005%); highest among the groups gnomAD compares: Non-Finnish European, 0.00068%; no homozygotes.

Submissions (2):

Ambry Genetics
Classification: Uncertain significance for Inborn genetic diseases. Last evaluated: 2024-12-14. Review status: criteria provided, single submitter. Criteria: Ambry Variant Classification Scheme 2023. Collection method: clinical testing. Allele origin: germline.
Comment: The p.M387T variant (also known as c.1160T>C), located in coding exon 7 of the ERCC6L2 gene, results from a T to C substitution at nucleotide position 1160. The methionine at codon 387 is replaced by threonine, an amino acid with similar properties. This amino acid position is conserved. In addition, this alteration is predicted to be deleterious by in silico analysis. Based on the available evidence, the clinical significance of this variant remains unclear.

Blueprint Genetics
Classification: Uncertain significance. Last evaluated: 2021-03-11. Review status: criteria provided, single submitter. Criteria: ACMG Guidelines, 2015. Collection method: clinical testing. Allele origin: germline.

NM_020207.7(ERCC6L2):c.1160T>C (p.Met387Thr)

Gene: ERCC6L2 (ERCC excision repair 6 like 2; plus strand). Cytogenetic location: 9q22.32.
Variant type: single nucleotide variant.
Coding change: c.1160T>C on transcript NM_020207.7 (MANE Select); coding-DNA position 1160, T replaced by C.
Protein change: p.Met387Thr; replaces methionine 387 with threonine.
Molecular consequence: missense variant. On other transcripts: non-coding transcript variant (1).
Genome position (GRCh38, 1-based): chr9:95,921,176, T>C. VCF-style: chr9-95921176-T-C. GRCh37 (hg19) VCF-style: chr9-98683458-T-C.
Other names: c.1160T>C, p.Met387Thr (NM_001010895.4, NM_001375291.1, NM_001375292.1 and 2 more transcripts); short protein forms M387T.
Identifiers: ClinVar variation 3845798 (VCV003845798.2).